The following is an entry in ClinVar:

NM_001382430.1(AKT1):c.176-17G>A

Gene: AKT1 (AKT serine/threonine kinase 1; minus strand). Cytogenetic location: 14q32.33.
Variant type: single nucleotide variant.
Coding change: c.176-17G>A on transcript NM_001382430.1 (MANE Select); 17 bases into the intron before coding-DNA position 176, G replaced by A.
Molecular consequence: intron variant.
Genome position (GRCh38, 1-based): chr14:104,776,787, C>T on the plus strand (G>A on the coding strand, the complement: AKT1 is on the minus strand). VCF-style: chr14-104776787-C-T. GRCh37 (hg19) VCF-style: chr14-105243124-C-T.
Other names: c.176-17G>A (NM_001014431.2, NM_001014432.2, NM_001382433.1 and 3 more transcripts).
Identifiers: ClinVar variation 3768136 (VCV003768136.1).

ClinVar aggregate classification (germline): Likely benign (1 of 4 stars; one submission).

Submission:

Women's Health and Genetics/Laboratory Corporation of America, LabCorp
Classification: Likely benign. Last evaluated: 2024-12-10. Review status: criteria provided, single submitter. Criteria: LabCorp Variant Classification Summary - May 2015. Collection method: clinical testing. Allele origin: germline.
Comment: Variant summary: AKT1 c.176-17G>A alters a nucleotide located at a position not widely known to affect splicing. Consensus agreement among computation tools predict no significant impact on normal splicing. However, these predictions have yet to be confirmed by functional studies. The variant was absent in 245826 control chromosomes. The available data on variant occurrences in the general population are insufficient to allow any conclusion about variant significance. To our knowledge, no occurrence of c.176-17G>A in individuals affected with Cowden Syndrome 6 and no experimental evidence demonstrating its impact on protein function have been reported. No submitters have cited clinical-significance assessments for this variant to ClinVar. Based on the evidence outlined above, the variant was classified as likely benign.